The following is an entry in ClinVar:

NM_001851.6(COL9A1):c.88+1G>A

Gene: COL9A1 (collagen type IX alpha 1 chain; minus strand). Cytogenetic location: 6q13.
Variant type: single nucleotide variant.
Coding change: c.88+1G>A on transcript NM_001851.6 (MANE Select); the canonical splice donor site of the intron after coding-DNA position 88, G replaced by A.
Molecular consequence: splice donor variant.
Genome position (GRCh38, 1-based): chr6:70,302,000, C>T on the plus strand (G>A on the coding strand, the complement: COL9A1 is on the minus strand). VCF-style: chr6-70302000-C-T. GRCh37 (hg19) VCF-style: chr6-71011703-C-T.
Other names: c.88+1G>A (NM_001377291.1).
Identifiers: ClinVar variation 1496141 (VCV001496141.6), dbSNP rs377760437, ClinGen allele CA3882940.

ClinVar aggregate classification (germline): Likely pathogenic (1 of 4 stars; one submission).

Allele frequency attached by ClinVar (database versions not stated): ESP Exome Variant Server 0.00008; gnomAD 0.00001; gnomAD exomes below 0.00001; TOPMed 0.00001; ExAC 0.00001.
gnomAD v4.1: 3 of 1,608,818 alleles (0.00019%); highest among the groups gnomAD compares: South Asian, 0.0022%; no homozygotes.

Submission:

Labcorp Genetics (formerly Invitae), Labcorp
Classification: Likely pathogenic. Last evaluated: 2025-12-08. Review status: criteria provided, single submitter. Criteria: Invitae Variant Classification Sherloc (09022015). Collection method: clinical testing. Allele origin: germline.
Comment: This sequence change affects a donor splice site in intron 2 of the COL9A1 gene. It is expected to disrupt RNA splicing. Variants that disrupt the donor or acceptor splice site typically lead to a loss of protein function (PMID: 16199547), and loss-of-function variants in COL9A1 are known to be pathogenic (PMID: 16909383, 21421862). This variant is present in population databases (rs377760437, gnomAD 0.007%). This variant has not been reported in the literature in individuals affected with COL9A1-related conditions. ClinVar contains an entry for this variant (Variation ID: 1496141). Algorithms developed to predict the effect of sequence changes on RNA splicing suggest that this variant may disrupt the consensus splice site. In summary, the currently available evidence indicates that the variant is pathogenic, but additional data are needed to prove that conclusively. Therefore, this variant has been classified as Likely Pathogenic.

Literature cited by the submitters: PubMed 16199547; PubMed 16909383; PubMed 21421862.